The following is an entry in ClinVar:

NM_000089.4(COL1A2):c.1270G>A (p.Gly424Ser)

Gene: COL1A2 (collagen type I alpha 2 chain; plus strand). Cytogenetic location: 7q21.3.
Variant type: single nucleotide variant.
Coding change: c.1270G>A on transcript NM_000089.4 (MANE Select); coding-DNA position 1270, G replaced by A.
Protein change: p.Gly424Ser; replaces glycine 424 with serine.
Molecular consequence: missense variant.
Genome position (GRCh38, 1-based): chr7:94,411,074, G>A. VCF-style: chr7-94411074-G-A. GRCh37 (hg19) VCF-style: chr7-94040386-G-A.
Other names: short protein forms G424S.
Identifiers: ClinVar variation 854736 (VCV000854736.11), dbSNP rs72658112, ClinGen allele CA162921953.
Genomic context (GRCh38, chr7:94,411,074, plus strand): 5'-GCATCCTCCTCCTCTATCTGTTTTTTTTTTTTTTTTGAATAGGGCCCTCCTGGTAGTCGT[G>A]GTGCAAGTGGCCCTGCTGGAGTCCGAGGACCTAATGGAGATGCTGGTCGCCCTGGGGAGC-3'
Protein context (NP_000080.2, residues 414-434): AGVMGPPGSR[Gly424Ser]ASGPAGVRGP

ClinVar aggregate classification (germline): Pathogenic. Review status: criteria provided, multiple submitters, no conflicts (2 of 4 stars). 3 submissions from 3 submitters: Pathogenic (3). Last evaluated 2025-07-31.

Conditions:
Osteogenesis imperfecta type I (OI1). Also called: Lobstein's Disease; Classic Non-deforming Osteogenesis Imperfecta with Blue Sclerae; Lobstein disease; OI, TYPE I; OSTEOGENESIS IMPERFECTA TARDA; OSTEOGENESIS IMPERFECTA WITH BLUE SCLERAE. Identifiers: Orphanet 216796, Orphanet 666, MedGen C0023931, MONDO:0008146, OMIM 166200. Disease mechanism: loss of function.
Ehlers-Danlos syndrome, classic type, 1 (EDSCL1). Also called: Ehlers-Danlos syndrome, type 1; Ehlers-Danlos Syndrome, Classic Type, COL5A1-Related; EDS I; EHLERS-DANLOS SYNDROME, GRAVIS TYPE; EHLERS-DANLOS SYNDROME, SEVERE CLASSIC TYPE. Identifiers: MedGen C0268335, MONDO:0019567, OMIM 130000.

Submissions (3):

Labcorp Genetics (formerly Invitae), Labcorp
Classification: Pathogenic for Osteogenesis imperfecta type I; Ehlers-Danlos syndrome, classic type, 1. Last evaluated: 2025-07-31. Review status: criteria provided, single submitter. Criteria: Invitae Variant Classification Sherloc (09022015). Collection method: clinical testing. Allele origin: germline.
Comment: This sequence change replaces glycine, which is neutral and non-polar, with serine, which is neutral and polar, at codon 424 of the COL1A2 protein (p.Gly424Ser). This variant is not present in population databases (gnomAD no frequency). This missense change has been observed in individuals with autosomal dominant osteogenesis imperfecta (PMID: 17078022, 27509835). ClinVar contains an entry for this variant (Variation ID: 854736). Invitae Evidence Modeling of protein sequence and biophysical properties (such as structural, functional, and spatial information, amino acid conservation, physicochemical variation, residue mobility, and thermodynamic stability) indicates that this missense variant is expected to disrupt COL1A2 protein function with a positive predictive value of 95%. This variant disrupts the triple helix domain of COL1A2. Glycine residues within the Gly-Xaa-Yaa repeats of the triple helix domain are required for the structure and stability of fibrillar collagens (PMID: 7695699, 8218237, 19344236). In COL1A2, variants affecting these glycine residues are significantly enriched in individuals with disease (PMID: 9016532, 17078022) compared to the general population (ExAC). For these reasons, this variant has been classified as Pathogenic.

GeneDx
Classification: Pathogenic. Last evaluated: 2024-12-23. Review status: criteria provided, single submitter. Criteria: GeneDx Variant Classification Process June 2021. Collection method: clinical testing. Allele origin: germline. Affected: yes.
Comment: Occurs in the triple helical domain and replaces a glycine in a canonical Gly-X-Y repeat; missense substitution of a canonical glycine residue is expected to disrupt normal protein folding and function, and this is an established mechanism of disease (PMID: 34007986); Not observed at significant frequency in large population cohorts (gnomAD); In silico analysis supports that this missense variant has a deleterious effect on protein structure/function; This variant is associated with the following publications: (PMID: 17078022, 34007986, 27509835)

ARUP Laboratories, Molecular Genetics and Genomics, ARUP Laboratories
Classification: Pathogenic. Last evaluated: 2023-12-19. Review status: criteria provided, single submitter. Criteria: ARUP Molecular Germline Variant Investigation Process 2024. Collection method: clinical testing. Allele origin: germline.
Comment: The COL1A2 c.1270G>A; p.Gly424Ser variant (rs72658112), also known as Gly334Ser, is reported in the literature in individuals affected with osteogenesis imperfecta (Bardai 2016, Marini 2007). This variant is also reported in ClinVar (Variation ID: 854736), but is absent from the Genome Aggregation Database (v2.1.1), indicating it is not a common polymorphism. Computational analyses predict that this variant is deleterious (REVEL: 0.931). Additionally, this variant disrupts the repeating Gly-X-Y sequence motif of the collagen triple helix and is predicted to impair collagen function (Ben Amor 2011). Based on available information, this variant is considered to be pathogenic. References: Bardai G et al. DNA sequence analysis in 598 individuals with a clinical diagnosis of osteogenesis imperfecta: diagnostic yield and mutation spectrum. Osteoporos Int. 2016 Dec;27(12):3607-3613. PMID: 27509835. Ben Amor I et al. Genotype-phenotype correlations in autosomal dominant osteogenesis imperfecta. J Osteoporos. 2011; 2011:540178. PMID: 21912751. Marini JC et al. Consortium for osteogenesis imperfecta mutations in the helical domain of type I collagen: regions rich in lethal mutations align with collagen binding sites for integrins and proteoglycans. Hum Mutat. 2007 Mar;28(3):209-21. PMID: 17078022.

Literature cited by the submitters: PubMed 17078022 (cited by Labcorp Genetics (formerly Invitae), Labcorp); PubMed 27509835 (cited by Labcorp Genetics (formerly Invitae), Labcorp); PubMed 7695699 (cited by Labcorp Genetics (formerly Invitae), Labcorp); PubMed 8218237 (cited by Labcorp Genetics (formerly Invitae), Labcorp); PubMed 19344236 (cited by Labcorp Genetics (formerly Invitae), Labcorp); PubMed 9016532 (cited by Labcorp Genetics (formerly Invitae), Labcorp).